The following is an entry in ClinVar:

NM_000136.3(FANCC):c.476C>T (p.Ser159Phe)

Gene: FANCC (FA complementation group C; minus strand). Cytogenetic location: 9q22.32.
Variant type: single nucleotide variant.
Coding change: c.476C>T on transcript NM_000136.3 (MANE Select); coding-DNA position 476, C replaced by T.
Protein change: p.Ser159Phe; replaces serine 159 with phenylalanine.
Molecular consequence: missense variant.
Genome position (GRCh38, 1-based): chr9:95,171,124, G>A on the plus strand (C>T on the coding strand, the complement: FANCC is on the minus strand). VCF-style: chr9-95171124-G-A. GRCh37 (hg19) VCF-style: chr9-97933406-G-A.
Other names: c.476C>T, p.Ser159Phe (NM_001243743.2, NM_001243744.2); short protein forms S159F.
Identifiers: ClinVar variation 825158 (VCV000825158.6), dbSNP rs1588218581, ClinGen allele CA374338637.

ClinVar aggregate classification (germline): Uncertain significance. Review status: criteria provided, single submitter (1 of 4 stars). 2 submissions from 2 submitters: Uncertain significance (1). 1 of the submissions does not count toward it. Last evaluated 2024-10-11.

Conditions:
Hereditary cancer-predisposing syndrome. Also called: Neoplastic Syndromes, Hereditary; Tumor predisposition; Hereditary neoplastic syndrome; Hereditary Cancer Syndrome. Identifiers: Orphanet 140162, MedGen C0027672, MeSH D009386, MONDO:0015356.
Fanconi anemia (FA). Also called: Fanconi's anemia. Identifiers: Orphanet 84, MedGen C0015625, MeSH D005199, MONDO:0019391.

Allele frequency attached by ClinVar (database versions not stated): gnomAD 0.00001; TOPMed 0.00001; gnomAD exomes 0.00002.
gnomAD v4.1: 23 of 1,613,296 alleles (0.0014%); highest among the groups gnomAD compares: Non-Finnish European, 0.0019%; no homozygotes.

Submissions (2):

Ambry Genetics
Classification: Uncertain significance for Hereditary cancer-predisposing syndrome. Last evaluated: 2024-10-11. Review status: criteria provided, single submitter. Criteria: Ambry Variant Classification Scheme 2023. Collection method: clinical testing. Allele origin: germline.
Comment: The p.S159F variant (also known as c.476C>T), located in coding exon 5 of the FANCC gene, results from a C to T substitution at nucleotide position 476. The serine at codon 159 is replaced by phenylalanine, an amino acid with highly dissimilar properties. This amino acid position is well conserved in available vertebrate species. In addition, this alteration is predicted to be tolerated by in silico analysis. Based on the available evidence, the clinical significance of this variant remains unclear.

Natera, Inc.
Classification: Uncertain significance for Fanconi anemia. Last evaluated: 2019-02-04. Review status: no assertion criteria provided. Collection method: clinical testing. Allele origin: germline. Not counted in ClinVar's aggregate classification.